The following is an entry in ClinVar:

ClinVar aggregate classification (germline): Uncertain significance (1 of 4 stars; one submission).

Submission:

Labcorp Genetics (formerly Invitae), Labcorp
Classification: Uncertain significance. Last evaluated: 2022-12-09. Review status: criteria provided, single submitter. Criteria: Invitae Variant Classification Sherloc (09022015). Collection method: clinical testing. Allele origin: germline.
Comment: This variant has not been reported in the literature in individuals affected with PRDM13-related conditions. This variant is not present in population databases (gnomAD no frequency). This sequence change replaces serine, which is neutral and polar, with glycine, which is neutral and non-polar, at codon 163 of the PRDM13 protein (p.Ser163Gly). Algorithms developed to predict the effect of missense changes on protein structure and function output the following: SIFT: "Deleterious"; PolyPhen-2: "Possibly Damaging"; Align-GVGD: "Class C0". The glycine amino acid residue is found in multiple mammalian species, which suggests that this missense change does not adversely affect protein function. In summary, the available evidence is currently insufficient to determine the role of this variant in disease. Therefore, it has been classified as a Variant of Uncertain Significance.

NM_021620.4(PRDM13):c.487A>G (p.Ser163Gly)

Gene: PRDM13 (PR/SET domain 13; plus strand). Cytogenetic location: 6q16.2.
Variant type: single nucleotide variant.
Coding change: c.487A>G on transcript NM_021620.4 (MANE Select); coding-DNA position 487, A replaced by G.
Protein change: p.Ser163Gly; replaces serine 163 with glycine.
Molecular consequence: missense variant.
Genome position (GRCh38, 1-based): chr6:99,613,122, A>G. VCF-style: chr6-99613122-A-G. GRCh37 (hg19) VCF-style: chr6-100060998-A-G.
Other names: short protein forms S163G.
Identifiers: ClinVar variation 2799410 (VCV002799410.3), dbSNP rs2538544355, ClinGen allele CA365115343.